The following is an entry in ClinVar:

ClinVar aggregate classification (germline): Conflicting classifications of pathogenicity. Review status: criteria provided, conflicting classifications (1 of 4 stars). 5 submissions from 2 submitters: Uncertain significance (1); Benign (1); Likely benign (3). Last evaluated 2018-01-13.

Conditions:
Familial Hypertrophic Cardiomyopathy with Wolff-Parkinson-White Syndrome. Identifiers: MedGen CN239247.
Cardiomyopathy, familial restrictive, 1. Identifiers: Orphanet 75249, MedGen C1861861, MONDO:0007270, OMIM 115210.
Dilated cardiomyopathy 2A (CMD2A). Also called: CARDIOMYOPATHY, CONGESTIVE, AUTOSOMAL RECESSIVE; CARDIOMYOPATHY, DILATED, AUTOSOMAL RECESSIVE. Identifiers: Orphanet 154, MedGen C2678474, MONDO:0012746, OMIM 611880.
Hypertrophic cardiomyopathy 7. Also called: CARDIOMYOPATHY, FAMILIAL HYPERTROPHIC, 7, MODIFIER OF; TNNI3-Related Familial Hypertrophic Cardiomyopathy; Familial hypertrophic cardiomyopathy 7. Identifiers: MedGen C1860752, MONDO:0013369, OMIM 613690.

Allele frequency attached by ClinVar (database versions not stated): 1000 Genomes Project 0.00519; 1000 Genomes Project 30x 0.00547; TOPMed 0.01075.
gnomAD v4.1: 19,287 of 1,455,528 alleles (1.3%); highest among the groups gnomAD compares: Non-Finnish European, 1.6%; 139 homozygotes.

Submissions (5):

Illumina Laboratory Services, Illumina
Classification: Likely benign for Hypertrophic cardiomyopathy 7. Last evaluated: 2018-01-13. Review status: criteria provided, single submitter. Criteria: ICSL Variant Classification Criteria 13 December 2019. Collection method: clinical testing. Allele origin: germline.
Comment: This variant was observed in the ICSL laboratory as part of a predisposition screen in an ostensibly healthy population. It had not been previously curated by ICSL or reported in the Human Gene Mutation Database (HGMD: prior to June 1st, 2018), and was therefore a candidate for classification through an automated scoring system. Utilizing variant allele frequency, disease prevalence and penetrance estimates, and inheritance mode, an automated score was calculated to assess if this variant is too frequent to cause the disease. Based on the score and internal cut-off values, a variant classified as likely benign is not then subjected to further curation. The score for this variant resulted in a classification of likely benign for this disease.

Illumina Laboratory Services, Illumina
Classification: Uncertain significance for Dilated cardiomyopathy 2A. Last evaluated: 2018-01-13. Review status: criteria provided, single submitter. Criteria: ICSL Variant Classification Criteria 13 December 2019. Collection method: clinical testing. Allele origin: germline.

Illumina Laboratory Services, Illumina
Classification: Likely benign for Cardiomyopathy, familial restrictive, 1. Last evaluated: 2018-01-13. Review status: criteria provided, single submitter. Criteria: ICSL Variant Classification Criteria 13 December 2019. Collection method: clinical testing. Allele origin: germline.
Comment: the same text as in the submission from Illumina Laboratory Services, Illumina above.

Illumina Laboratory Services, Illumina
Classification: Likely benign for Familial Hypertrophic Cardiomyopathy with Wolff-Parkinson-White Syndrome. Last evaluated: 2018-01-13. Review status: criteria provided, single submitter. Criteria: ICSL Variant Classification Criteria 13 December 2019. Collection method: clinical testing. Allele origin: germline.
Comment: the same text as in the submission from Illumina Laboratory Services, Illumina above.

GeneDx
Classification: Benign. Last evaluated: 2015-03-03. Review status: criteria provided, single submitter. Criteria: GeneDx Variant Classification Process June 2021. Collection method: clinical testing. Allele origin: germline. Affected: yes.

NM_000363.5(TNNI3):c.-98C>A

Gene: TNNI3 (troponin I3, cardiac type; minus strand). Cytogenetic location: 19q13.42.
Variant type: single nucleotide variant.
Coding change: c.-98C>A on transcript NM_000363.5 (MANE Select); 98 bases upstream of the start codon, C replaced by A.
Molecular consequence: 5 prime UTR variant.
Genome position (GRCh38, 1-based): chr19:55,157,687, G>T on the plus strand (C>A on the coding strand, the complement: TNNI3 is on the minus strand). VCF-style: chr19-55157687-G-T. GRCh37 (hg19) VCF-style: chr19-55669055-G-T.
Identifiers: ClinVar variation 188666 (VCV000188666.7), dbSNP rs12973773, ClinGen allele CA022133.